The following is an entry in ClinVar:

ClinVar aggregate classification (germline): Uncertain significance (1 of 4 stars; one submission).

Conditions:
Hereditary diffuse gastric adenocarcinoma (HDGC). Also called: DIFFUSE GASTRIC AND LOBULAR BREAST CANCER SYNDROME. Identifiers: Orphanet 26106, MedGen C1708349, MONDO:0007648, OMIM 137215.

Submission:

Labcorp Genetics (formerly Invitae), Labcorp
Classification: Uncertain significance for Hereditary diffuse gastric adenocarcinoma. Last evaluated: 2022-05-20. Review status: criteria provided, single submitter. Criteria: Invitae Variant Classification Sherloc (09022015). Collection method: clinical testing. Allele origin: germline.
Comment: In summary, the available evidence is currently insufficient to determine the role of this variant in disease. Therefore, it has been classified as a Variant of Uncertain Significance. Algorithms developed to predict the effect of missense changes on protein structure and function are either unavailable or do not agree on the potential impact of this missense change (SIFT: "Deleterious"; PolyPhen-2: "Benign"; Align-GVGD: "Class C0"). This variant has not been reported in the literature in individuals affected with CDH1-related conditions. This variant is not present in population databases (gnomAD no frequency). This sequence change replaces glutamine, which is neutral and polar, with glutamic acid, which is acidic and polar, at codon 16 of the CDH1 protein (p.Gln16Glu).

NM_004360.5(CDH1):c.46C>G (p.Gln16Glu)

Gene: CDH1 (cadherin 1; plus strand). Cytogenetic location: 16q22.1.
Variant type: single nucleotide variant.
Coding change: c.46C>G on transcript NM_004360.5 (MANE Select); coding-DNA position 46, C replaced by G.
Protein change: p.Gln16Glu; replaces glutamine 16 with glutamic acid.
Molecular consequence: missense variant. On other transcripts: 5 prime UTR variant (2).
Genome position (GRCh38, 1-based): chr16:68,737,461, C>G. VCF-style: chr16-68737461-C-G. GRCh37 (hg19) VCF-style: chr16-68771364-C-G.
Other names: c.46C>G, p.Gln16Glu (NM_001317184.2); c.-1570C>G (NM_001317185.2); c.-1774C>G (NM_001317186.2); short protein forms Q16E.
Identifiers: ClinVar variation 1997167 (VCV001997167.4), dbSNP rs770244203, ClinGen allele CA396451419.